The following is an entry in ClinVar:

ClinVar aggregate classification (germline): Uncertain significance (1 of 4 stars; one submission).

Conditions:
Immunodeficiency due to CD25 deficiency. Also called: IMMUNODEFICIENCY 41 WITH LYMPHOPROLIFERATION AND AUTOIMMUNITY; IL2RA DEFICIENCY; CD25 DEFICIENCY. Identifiers: Orphanet 169100, MedGen C1853392, MONDO:0011664, OMIM 606367.

Allele frequency attached by ClinVar (database versions not stated): gnomAD exomes below 0.00001.
gnomAD v4.1: 1 of 1,614,192 alleles (0.000062%); highest among the groups gnomAD compares: Admixed American, 0.0017%; no homozygotes.

Submission:

Labcorp Genetics (formerly Invitae), Labcorp
Classification: Uncertain significance for Immunodeficiency due to CD25 deficiency. Last evaluated: 2023-08-30. Review status: criteria provided, single submitter. Criteria: Invitae Variant Classification Sherloc (09022015). Collection method: clinical testing. Allele origin: germline.
Comment: This variant has not been reported in the literature in individuals affected with IL2RA-related conditions. ClinVar contains an entry for this variant (Variation ID: 1356766). Advanced modeling of protein sequence and biophysical properties (such as structural, functional, and spatial information, amino acid conservation, physicochemical variation, residue mobility, and thermodynamic stability) has been performed at Invitae for this missense variant, however the output from this modeling did not meet the statistical confidence thresholds required to predict the impact of this variant on IL2RA protein function. In summary, the available evidence is currently insufficient to determine the role of this variant in disease. Therefore, it has been classified as a Variant of Uncertain Significance. This variant is not present in population databases (gnomAD no frequency). This sequence change replaces cysteine, which is neutral and slightly polar, with serine, which is neutral and polar, at codon 51 of the IL2RA protein (p.Cys51Ser).

NM_000417.3(IL2RA):c.152G>C (p.Cys51Ser)

Gene: IL2RA (interleukin 2 receptor subunit alpha; minus strand). Cytogenetic location: 10p15.1.
Variant type: single nucleotide variant.
Coding change: c.152G>C on transcript NM_000417.3 (MANE Select); coding-DNA position 152, G replaced by C.
Protein change: p.Cys51Ser; replaces cysteine 51 with serine.
Molecular consequence: missense variant.
Genome position (GRCh38, 1-based): chr10:6,025,938, C>G on the plus strand (G>C on the coding strand, the complement: IL2RA is on the minus strand). VCF-style: chr10-6025938-C-G. GRCh37 (hg19) VCF-style: chr10-6067901-C-G.
Other names: c.152G>C, p.Cys51Ser (NM_001308242.2, NM_001308243.2); short protein forms C51S.
Identifiers: ClinVar variation 1356766 (VCV001356766.4), dbSNP rs2132859359, ClinGen allele CA375930645.
Genomic context (GRCh38, chr10:6,025,938, plus strand): 5'-GAGTTTCCTGTACAGAGCATATAGAGTGACCCGCTTTTTATTCTGCGGAAACCTCTCTTG[C>G]ATTCACAGTTCAACATGGTTCCTTCCTTGTAGGCCATGGCTTTGAATGTGGCGTGTGGGA-3'
Protein context (NP_000408.1, residues 41-61): YKEGTMLNCE[Cys51Ser]KRGFRRIKSG